The following is an entry in ClinVar:

ClinVar aggregate classification (germline): Likely benign. Review status: criteria provided, single submitter (1 of 4 stars). 2 submissions from 2 submitters: Likely benign (1). 1 of the submissions does not count toward it. Last evaluated 2022-02-28.

Conditions:
CACNA1A-related disorder. Also called: CACNA1A-related condition.

Allele frequency attached by ClinVar (database versions not stated): TOPMed below 0.00001; gnomAD exomes 0.00002.
gnomAD v4.1: 22 of 1,479,784 alleles (0.0015%); highest among the groups gnomAD compares: South Asian, 0.0025%; no homozygotes.

Submissions (2):

Blueprint Genetics
Classification: Likely benign. Last evaluated: 2022-02-28. Review status: criteria provided, single submitter. Criteria: ACMG Guidelines, 2015. Collection method: clinical testing. Allele origin: germline.

PreventionGenetics, part of Exact Sciences
Classification: Likely benign for CACNA1A-related condition. Last evaluated: 2019-02-26. Review status: no assertion criteria provided. Collection method: clinical testing. Allele origin: germline. Not counted in ClinVar's aggregate classification.
Comment: This variant is classified as likely benign based on ACMG/AMP sequence variant interpretation guidelines (Richards et al. 2015 PMID: 25741868, with internal and published modifications).

NM_001127222.2(CACNA1A):c.7251G>A (p.Glu2417=)

Gene: CACNA1A (calcium voltage-gated channel subunit alpha1 A; minus strand). Cytogenetic location: 19p13.13.
Variant type: single nucleotide variant.
Coding change: c.7251G>A on transcript NM_001127222.2 (MANE Select); coding-DNA position 7251, G replaced by A.
Protein change: p.Glu2417=; no amino-acid change (glutamic acid 2417 retained).
Molecular consequence: synonymous variant. On other transcripts: 3 prime UTR variant (3).
Genome position (GRCh38, 1-based): chr19:13,207,583, C>T on the plus strand (G>A on the coding strand, the complement: CACNA1A is on the minus strand). VCF-style: chr19-13207583-C-T. GRCh37 (hg19) VCF-style: chr19-13318397-C-T.
Other names: c.*463G>A (NM_000068.4, NM_001127221.2, NM_001174080.2); c.7269G>A, p.Glu2423= (NM_023035.3).
Identifiers: ClinVar variation 3046604 (VCV003046604.3), dbSNP rs1488018867, ClinGen allele CA505784770.